The following is an entry in ClinVar:

NM_177438.3(DICER1):c.1504G>C (p.Glu502Gln)

Gene: DICER1 (dicer 1, ribonuclease III; minus strand). Cytogenetic location: 14q32.13.
Variant type: single nucleotide variant.
Coding change: c.1504G>C on transcript NM_177438.3 (MANE Select); coding-DNA position 1504, G replaced by C.
Protein change: p.Glu502Gln; replaces glutamic acid 502 with glutamine.
Molecular consequence: missense variant. On other transcripts: 5 prime UTR variant (1), non-coding transcript variant (6).
Genome position (GRCh38, 1-based): chr14:95,117,627, C>G on the plus strand (G>C on the coding strand, the complement: DICER1 is on the minus strand). VCF-style: chr14-95117627-C-G. GRCh37 (hg19) VCF-style: chr14-95583964-C-G.
Other names: c.1504G>C, p.Glu502Gln (NM_001395679.1, NM_001395680.1, NM_001395682.1 and 12 more transcripts); c.1222G>C, p.Glu408Gln (NM_001395686.1); c.1099G>C, p.Glu367Gln (NM_001395687.1, NM_001395688.1, NM_001395689.1 and 3 more transcripts); c.937G>C, p.Glu313Gln (NM_001395691.1); c.-65G>C (NM_001395697.1); short protein forms E313Q, E367Q, E408Q, E502Q.
Identifiers: ClinVar variation 4869773 (VCV004869773.1).

ClinVar aggregate classification (germline): Uncertain significance (1 of 4 stars; one submission).

Conditions:
Hereditary cancer-predisposing syndrome. Also called: Neoplastic Syndromes, Hereditary; Tumor predisposition; Hereditary Cancer Syndrome; Hereditary neoplastic syndrome. Identifiers: Orphanet 140162, MedGen C0027672, MeSH D009386, MONDO:0015356.

Submission:

Ambry Genetics
Classification: Uncertain significance for Hereditary cancer-predisposing syndrome. Last evaluated: 2026-05-06. Review status: criteria provided, single submitter. Criteria: Ambry Variant Classification Scheme 2023. Collection method: clinical testing. Allele origin: germline.
Comment: The p.E502Q variant (also known as c.1504G>C), located in coding exon 8 of the DICER1 gene, results from a G to C substitution at nucleotide position 1504. The glutamic acid at codon 502 is replaced by glutamine, an amino acid with highly similar properties. This amino acid position is highly conserved in available vertebrate species. In addition, the in silico prediction for this alteration is inconclusive. Based on the available evidence, the clinical significance of this variant remains unclear.